The following is an entry in ClinVar:

ClinVar aggregate classification (germline): Uncertain significance (1 of 4 stars; one submission).

Submission:

Labcorp Genetics (formerly Invitae), Labcorp
Classification: Uncertain significance. Last evaluated: 2023-02-13. Review status: criteria provided, single submitter. Criteria: Invitae Variant Classification Sherloc (09022015). Collection method: clinical testing. Allele origin: germline.
Comment: This sequence change creates a premature translational stop signal (p.Thr415Argfs*10) in the CREB3L3 gene. While this is not anticipated to result in nonsense mediated decay, it is expected to disrupt the last 47 amino acid(s) of the CREB3L3 protein. This variant has not been reported in the literature in individuals affected with CREB3L3-related conditions. In summary, the available evidence is currently insufficient to determine the role of this variant in disease. Therefore, it has been classified as a Variant of Uncertain Significance. Experimental studies and prediction algorithms are not available or were not evaluated, and the functional significance of this variant is currently unknown. This variant is not present in population databases (gnomAD no frequency).

NM_032607.3(CREB3L3):c.1244_1247del (p.Thr415fs)

Genes: CREB3L3 (cAMP responsive element binding protein 3 like 3; plus strand), LOC125371455 (Sharpr-MPRA regulatory region 11650; plus strand). Cytogenetic location: 19p13.3.
Variant type: Deletion.
Coding change: c.1244_1247del on transcript NM_032607.3 (MANE Select); coding-DNA positions 1244 to 1247, 4 bases deleted (CGGA; older notation c.1244_1247delCGGA).
Protein change: p.Thr415fs; shifts the reading frame from threonine 415.
Molecular consequence: frameshift variant. On other transcripts: 3 prime UTR variant (1).
Genome position (GRCh38, 1-based): chr19:4,171,827-4,171,830, CGGA deleted; deleting any 4 consecutive bases within chr19:4,171,825-4,171,830 gives the same sequence; the c. name uses the placement nearest the transcript's 3' end. VCF-style (leftmost placement, unchanged base first): chr19-4171824-CGACG-C. GRCh37 (hg19) VCF-style: chr19-4171821-CGACG-C.
Other names: c.1241_1244del, p.Thr414fs (NM_001271995.2); c.1238_1241del, p.Thr413fs (NM_001271996.2); c.*123_*126del (NM_001271997.2); short protein forms T414fs, T413fs, T415fs.
Identifiers: ClinVar variation 2836561 (VCV002836561.3), dbSNP rs2512361759, ClinGen allele CA2739276369.